The following is an entry in ClinVar:

ClinVar aggregate classification (germline): Uncertain significance. Review status: criteria provided, multiple submitters, no conflicts (2 of 4 stars). 2 submissions from 2 submitters: Uncertain significance (2). Last evaluated 2025-09-01.

Conditions:
Inborn genetic diseases. Identifiers: MedGen C0950123, MeSH D030342.

Allele frequency attached by ClinVar (database versions not stated): gnomAD exomes below 0.00001; TOPMed below 0.00001; gnomAD 0.00001.

Submissions (2):

Ambry Genetics
Classification: Uncertain significance for Inborn genetic diseases. Last evaluated: 2025-09-01. Review status: criteria provided, single submitter. Criteria: Ambry Variant Classification Scheme 2023. Collection method: clinical testing. Allele origin: germline.

Labcorp Genetics (formerly Invitae), Labcorp
Classification: Uncertain significance. Last evaluated: 2019-07-31. Review status: criteria provided, single submitter. Criteria: Invitae Variant Classification Sherloc (09022015). Collection method: clinical testing. Allele origin: germline.
Comment: This sequence change replaces arginine with histidine at codon 172 of the NYX protein (p.Arg172His). The arginine residue is highly conserved and there is a small physicochemical difference between arginine and histidine. The frequency data for this variant in the population databases is considered unreliable, as metrics indicate insufficient coverage at this position in the ExAC database. This variant has not been reported in the literature in individuals with NYX-related conditions. Algorithms developed to predict the effect of missense changes on protein structure and function are either unavailable or do not agree on the potential impact of this missense change (SIFT: "Deleterious"; PolyPhen-2: "Probably Damaging"; Align-GVGD: "Class C0"). In summary, the available evidence is currently insufficient to determine the role of this variant in disease. Therefore, it has been classified as a Variant of Uncertain Significance.

NM_001378477.3(NYX):c.500G>A (p.Arg167His)

Gene: NYX (nyctalopin; plus strand). Cytogenetic location: Xp11.4.
Variant type: single nucleotide variant.
Coding change: c.500G>A on transcript NM_001378477.3 (MANE Select); coding-DNA position 500, G replaced by A.
Protein change: p.Arg167His; replaces arginine 167 with histidine.
Molecular consequence: missense variant.
Genome position (GRCh38, 1-based): chrX:41,473,968, G>A. VCF-style: chrX-41473968-G-A. GRCh37 (hg19) VCF-style: chrX-41333221-G-A.
Other names: c.500G>A, p.Arg167His (NM_022567.3); short protein forms R172H, R167H.
Identifiers: ClinVar variation 958798 (VCV000958798.10), dbSNP rs1425052351, ClinGen allele CA412990641.